The following is an entry in ClinVar:

NM_001048174.2(MUTYH):c.476A>G (p.Gln159Arg)

Gene: MUTYH (mutY DNA glycosylase; minus strand). Cytogenetic location: 1p34.1.
Variant type: single nucleotide variant.
Coding change: c.476A>G on transcript NM_001048174.2 (MANE Select); coding-DNA position 476, A replaced by G.
Protein change: p.Gln159Arg; replaces glutamine 159 with arginine.
Molecular consequence: missense variant. On other transcripts: non-coding transcript variant (2).
Genome position (GRCh38, 1-based): chr1:45,332,779, T>C on the plus strand (A>G on the coding strand, the complement: MUTYH is on the minus strand). VCF-style: chr1-45332779-T-C. GRCh37 (hg19) VCF-style: chr1-45798451-T-C.
Other names: c.476A>G, p.Gln159Arg (NM_001293195.2, NM_001048171.2, NM_001048173.2); c.200A>G, p.Gln67Arg (NM_001293196.2, NM_001293192.2); c.131A>G, p.Gln44Arg (NM_001350650.2, NM_001350651.2); c.551A>G, p.Gln184Arg (NM_012222.3); c.479A>G, p.Gln160Arg (NM_001048172.2); c.560A>G, p.Gln187Arg (NM_001128425.2); c.521A>G, p.Gln174Arg (NM_001293190.2); c.509A>G, p.Gln170Arg (NM_001293191.2); short protein forms Q187R, Q170R, Q44R, Q174R, Q67R, Q159R, Q160R, Q184R.
Identifiers: ClinVar variation 185772 (VCV000185772.24), dbSNP rs757503642, ClinGen allele CA013867.

ClinVar aggregate classification (germline): Conflicting classifications of pathogenicity. Review status: criteria provided, conflicting classifications (1 of 4 stars). 6 submissions from 6 submitters: Uncertain significance (5); Benign (1). Last evaluated 2025-09-15.

Conditions:
Hereditary cancer-predisposing syndrome. Also called: Neoplastic Syndromes, Hereditary; Tumor predisposition; Hereditary Cancer Syndrome; Hereditary neoplastic syndrome. Identifiers: Orphanet 140162, MedGen C0027672, MeSH D009386, MONDO:0015356.
Familial adenomatous polyposis 2. Also called: Adenomas, multiple colorectal; COLORECTAL ADENOMATOUS POLYPOSIS, AUTOSOMAL RECESSIVE; ADENOMAS, MULTIPLE COLORECTAL, AUTOSOMAL RECESSIVE; MYH-associated polyposis; MUTYH Polyposis; FAP type 2. Identifiers: Orphanet 220460, Orphanet 247798, MedGen C3272841, MONDO:0012041, OMIM 608456.

Allele frequency attached by ClinVar (database versions not stated): gnomAD exomes below 0.00001; ExAC 0.00001.
gnomAD v4.1: 1 of 1,614,156 alleles (0.000062%); highest among the groups gnomAD compares: Non-Finnish European, 0.000085%; no homozygotes.

Submissions (6):

Ambry Genetics
Classification: Benign for Hereditary cancer-predisposing syndrome. Last evaluated: 2025-09-15. Review status: criteria provided, single submitter. Criteria: Ambry Variant Classification Scheme 2023. Collection method: clinical testing. Allele origin: germline.

GeneDx
Classification: Uncertain significance. Last evaluated: 2025-06-06. Review status: criteria provided, single submitter. Criteria: GeneDx Variant Classification Process June 2021. Collection method: clinical testing. Allele origin: germline. Affected: yes.
Comment: Not observed at significant frequency in large population cohorts (gnomAD); In silico analysis suggests that this missense variant does not alter protein structure/function; Has not been previously published as pathogenic or benign to our knowledge

Labcorp Genetics (formerly Invitae), Labcorp
Classification: Uncertain significance for Familial adenomatous polyposis 2. Last evaluated: 2024-11-26. Review status: criteria provided, single submitter. Criteria: Invitae Variant Classification Sherloc (09022015). Collection method: clinical testing. Allele origin: germline.
Comment: This sequence change replaces glutamine, which is neutral and polar, with arginine, which is basic and polar, at codon 187 of the MUTYH protein (p.Gln187Arg). This variant is present in population databases (rs757503642, gnomAD 0.0009%). This variant has not been reported in the literature in individuals affected with MUTYH-related conditions. ClinVar contains an entry for this variant (Variation ID: 185772). An algorithm developed to predict the effect of missense changes on protein structure and function (PolyPhen-2) suggests that this variant¬†is likely to be tolerated. In summary, the available evidence is currently insufficient to determine the role of this variant in disease. Therefore, it has been classified as a Variant of Uncertain Significance.

Color Diagnostics, LLC DBA Color Health
Classification: Uncertain significance for Hereditary cancer-predisposing syndrome. Last evaluated: 2024-03-06. Review status: criteria provided, single submitter. Criteria: ACMG Guidelines, 2015. Collection method: clinical testing. Allele origin: germline.
Comment: This missense variant replaces glutamine with arginine at codon 187 of the MUTYH protein. Computational prediction suggests that this variant may not impact protein structure and function (internally defined REVEL score threshold <= 0.5, PMID: 27666373). To our knowledge, functional studies have not been reported for this variant. This variant has not been reported in individuals affected with MUTYH-related disorders in the literature. This variant has been identified in 1/251426 chromosomes in the general population by the Genome Aggregation Database (gnomAD). The available evidence is insufficient to determine the role of this variant in disease conclusively. Therefore, this variant is classified as a Variant of Uncertain Significance.

All of Us Research Program, National Institutes of Health
Classification: Uncertain significance for Familial adenomatous polyposis 2. Last evaluated: 2023-09-17. Review status: criteria provided, single submitter. Criteria: ACMG Guidelines, 2015. Collection method: clinical testing. Allele origin: germline. Inheritance: Autosomal recessive inheritance. Observed: 2 variant alleles, 2 heterozygotes.
Comment: This missense variant replaces glutamine with arginine at codon 187 of the MUTYH protein. Computational prediction suggests that this variant may not impact protein structure and function (internally defined REVEL score threshold <= 0.5, PMID: 27666373). To our knowledge, functional studies have not been reported for this variant. This variant has not been reported in individuals affected with MUTYH-related disorders in the literature. This variant has been identified in 1/251426 chromosomes in the general population by the Genome Aggregation Database (gnomAD). The available evidence is insufficient to determine the role of this variant in disease conclusively. Therefore, this variant is classified as a Variant of Uncertain Significance.

This study involves interpretation of variants in research participants for the purpose of population health screening. Participant phenotype was not available at the time of variant classification. Additional details can be found in publication PMID: 35346344, PMCID: PMC8962531

Sema4
Classification: Uncertain significance for Hereditary cancer-predisposing syndrome. Last evaluated: 2021-06-06. Review status: criteria provided, single submitter. Criteria: Sema4 Curation Guidelines. Collection method: curation. Allele origin: germline.
Comment: The MUTYH c.560A>G (p.Q187R) variant has not been reported in the literature to our knowledge. It was observed in 1/113746 chromosomes of the Non-Finnish European subpopulation in the large and broad cohorts of the Genome Aggregation Database. The variant has been reported in ClinVar (Variation ID: 185772). In silico tools suggest the impact of the variant on protein function is inconclusive, though these predictions have not been confirmed by functional studies. The evidence is insufficient to meet ACMG/AMP criteria for classifying the variant as benign or pathogenic. Thus, the clinical significance of this variant is currently uncertain.